The following is an entry in ClinVar:

ClinVar aggregate classification (germline): Conflicting classifications of pathogenicity. Review status: criteria provided, conflicting classifications (1 of 4 stars). 4 submissions from 4 submitters: Uncertain significance (3); Benign (1). Last evaluated 2025-08-09.

Conditions:
Cardiovascular phenotype. Identifiers: MedGen CN230736.
Hereditary cancer-predisposing syndrome. Also called: Neoplastic Syndromes, Hereditary; Hereditary Cancer Syndrome; Tumor predisposition; Hereditary neoplastic syndrome. Identifiers: Orphanet 140162, MedGen C0027672, MeSH D009386, MONDO:0015356.
Neurofibromatosis, familial spinal (FSNF). Identifiers: Orphanet 636, MedGen C1834235, MONDO:0008078, OMIM 162210. Disease mechanism: loss of function.
Juvenile myelomonocytic leukemia (JMML). Also called: LEUKEMIA, JUVENILE MYELOMONOCYTIC, SOMATIC. Identifiers: Orphanet 86834, MedGen C0349639, MONDO:0011908, OMIM 607785, HP:0012209.
Neurofibromatosis, type 1 (NF1). Also called: Neurofibromatosis, type I; NEUROFIBROMATOSIS, TYPE I, SOMATIC; Peripheral type neurofibromatosis; VON RECKLINGHAUSEN DISEASE. Identifiers: Orphanet 636, MedGen C0027831, MONDO:0018975, OMIM 162200. Disease mechanism: loss of function.
Neurofibromatosis-Noonan syndrome (NFNS). Also called: NEUROFIBROMATOSIS WITH NOONAN PHENOTYPE. Identifiers: Orphanet 638, MedGen C2931482, MONDO:0011035, OMIM 601321. Disease mechanism: loss of function.
Café-au-lait macules with pulmonary stenosis (WTSN). Also called: PULMONIC STENOSIS WITH CAFE-AU-LAIT SPOTS. Identifiers: MedGen C0553586, MONDO:0008672, OMIM 193520.

Allele frequency attached by ClinVar (database versions not stated): gnomAD exomes 0.00001; TOPMed 0.00001.
gnomAD v4.1: 4 of 1,612,972 alleles (0.00025%); highest among the groups gnomAD compares: Admixed American, 0.0067%; no homozygotes.

Submissions (4):

Labcorp Genetics (formerly Invitae), Labcorp
Classification: Benign for Neurofibromatosis, type 1. Last evaluated: 2025-08-09. Review status: criteria provided, single submitter. Criteria: Invitae Variant Classification Sherloc (09022015). Collection method: clinical testing. Allele origin: germline.

Ambry Genetics
Classification: Uncertain significance for Cardiovascular phenotype; Hereditary cancer-predisposing syndrome. Last evaluated: 2024-10-29. Review status: criteria provided, single submitter. Criteria: Ambry Variant Classification Scheme 2023. Collection method: clinical testing. Allele origin: germline.
Comment: The p.L1543F variant (also known as c.4627C>T), located in coding exon 34 of the NF1 gene, results from a C to T substitution at nucleotide position 4627. The leucine at codon 1543 is replaced by phenylalanine, an amino acid with highly similar properties. This amino acid position is highly conserved in available vertebrate species. In addition, this alteration is predicted to be tolerated by in silico analysis. Based on the available evidence, the clinical significance of this variant remains unclear.

Fulgent Genetics
Classification: Uncertain significance for Neurofibromatosis, type 1; Neurofibromatosis, familial spinal; Café-au-lait macules with pulmonary stenosis; Neurofibromatosis-Noonan syndrome; Juvenile myelomonocytic leukemia. Last evaluated: 2024-01-15. Review status: criteria provided, single submitter. Criteria: ACMG Guidelines, 2015. Collection method: clinical testing. Allele origin: germline.

Blueprint Genetics
Classification: Uncertain significance. Last evaluated: 2021-09-01. Review status: criteria provided, single submitter. Criteria: ACMG Guidelines, 2015. Collection method: clinical testing. Allele origin: germline.

NM_001042492.3(NF1):c.4690C>T (p.Leu1564Phe)

Gene: NF1 (neurofibromin 1; plus strand). Cytogenetic location: 17q11.2.
Variant type: single nucleotide variant.
Coding change: c.4690C>T on transcript NM_001042492.3 (MANE Select); coding-DNA position 4690, C replaced by T.
Protein change: p.Leu1564Phe; replaces leucine 1564 with phenylalanine.
Molecular consequence: missense variant.
Genome position (GRCh38, 1-based): chr17:31,261,823, C>T. VCF-style: chr17-31261823-C-T. GRCh37 (hg19) VCF-style: chr17-29588841-C-T.
Other names: c.4627C>T, p.Leu1543Phe (NM_000267.4); short protein forms L1564F, L1543F.
Identifiers: ClinVar variation 646583 (VCV000646583.13), dbSNP rs1427435078, ClinGen allele CA399000535.